The following is an entry in ClinVar:

NM_004006.3(DMD):c.3096C>G (p.Leu1032=)

Gene: DMD (dystrophin; minus strand). Cytogenetic location: Xp21.1.
Variant type: single nucleotide variant.
Coding change: c.3096C>G on transcript NM_004006.3 (MANE Select); coding-DNA position 3096, C replaced by G.
Protein change: p.Leu1032=; no amino-acid change (leucine 1032 retained).
Molecular consequence: synonymous variant.
Genome position (GRCh38, 1-based): chrX:32,468,564, G>C on the plus strand (C>G on the coding strand, the complement: DMD is on the minus strand). VCF-style: chrX-32468564-G-C. GRCh37 (hg19) VCF-style: chrX-32486681-G-C.
Other names: c.3072C>G, p.Leu1024= (NM_000109.4); c.3084C>G, p.Leu1028= (NM_004009.3); c.2727C>G, p.Leu909= (NM_004010.3).
Identifiers: ClinVar variation 390154 (VCV000390154.29), dbSNP rs770148717, ClinGen allele CA10379359.

ClinVar aggregate classification (germline): Conflicting classifications of pathogenicity. Review status: criteria provided, conflicting classifications (1 of 4 stars). 7 submissions from 7 submitters: Uncertain significance (1); Likely benign (5). 1 of the submissions does not count toward it. Last evaluated 2026-04-08.

Conditions:
DMD-related disorder. Also called: DMD-related condition.
Cardiovascular phenotype. Identifiers: MedGen CN230736.
Duchenne muscular dystrophy (DMD). Also called: MUSCULAR DYSTROPHY, PSEUDOHYPERTROPHIC PROGRESSIVE, DUCHENNE TYPE; Duchenne Muscular Dystrophy (DMD). Identifiers: Orphanet 98896, MedGen C0013264, MONDO:0010679, OMIM 310200.
Becker muscular dystrophy (BMD). Also called: Becker Muscular Dystrophy (BMD); MUSCULAR DYSTROPHY, PSEUDOHYPERTROPHIC PROGRESSIVE, BECKER TYPE. Identifiers: Orphanet 98895, MedGen C0917713, MONDO:0010311, OMIM 300376.
Dystrophin deficiency.
Cardiomyopathy (CMYO). Also called: Cardiomyopathies. Identifiers: Orphanet 167848, MedGen C0878544, MONDO:0004994, HP:0001638. Inheritance: Various modes of inheritance.

Allele frequency attached by ClinVar (database versions not stated): gnomAD 0.00003; TOPMed 0.00006; ExAC 0.00007.
gnomAD v4.1: 82 of 1,208,915 alleles (0.0068%); highest among the groups gnomAD compares: Non-Finnish European, 0.0087%; 1 homozygote.

Submissions (7):

PreventionGenetics, part of Exact Sciences
Classification: Likely benign for DMD-related condition. Last evaluated: 2026-04-08. Review status: criteria provided, single submitter. Criteria: ACMG Guidelines, 2015. Collection method: clinical testing. Allele origin: germline.
Comment: This variant is classified as likely benign based on ACMG/AMP sequence variant interpretation guidelines (Richards et al. 2015 PMID: 25741868, with internal and published modifications).

Labcorp Genetics (formerly Invitae), Labcorp
Classification: Likely benign for Duchenne muscular dystrophy. Last evaluated: 2026-01-19. Review status: criteria provided, single submitter. Criteria: Invitae Variant Classification Sherloc (09022015). Collection method: clinical testing. Allele origin: germline.

CeGaT Center for Human Genetics Tuebingen
Classification: Likely benign. Last evaluated: 2025-08-01. Review status: criteria provided, single submitter. Criteria: CeGaT Center For Human Genetics Tuebingen Variant Classification Criteria Version 2. Collection method: clinical testing. Allele origin: germline. Affected: yes. Observed: 1 variant allele.
Comment: DMD: BP4, BP7, BS2

Ambry Genetics
Classification: Likely benign for Cardiovascular phenotype. Last evaluated: 2024-08-19. Review status: criteria provided, single submitter. Criteria: Ambry Variant Classification Scheme 2023. Collection method: clinical testing. Allele origin: germline.

GeneDx
Classification: Likely benign. Last evaluated: 2018-11-13. Review status: criteria provided, single submitter. Criteria: GeneDx Variant Classification Process June 2021. Collection method: clinical testing. Allele origin: germline. Affected: yes.

Eurofins Ntd Llc (ga)
Classification: Uncertain significance. Last evaluated: 2018-07-10. Review status: criteria provided, single submitter. Criteria: EGL ClinVar v180209 classification definitions. Collection method: clinical testing. Allele origin: germline. Observed: 1 variant allele, 1 hemizygote.

Natera, Inc.
Classification: Likely benign for Becker muscular dystrophy; Cardiomyopathy; Duchenne muscular dystrophy; Dystrophin deficiency. Last evaluated: 2019-07-02. Review status: no assertion criteria provided. Collection method: clinical testing. Allele origin: germline. Not counted in ClinVar's aggregate classification.